The following is an entry in ClinVar:

ClinVar aggregate classification (germline): Likely benign (1 of 4 stars; one submission).

Conditions:
EHHADH-related disorder. Also called: EHHADH-related condition.

Submission:

PreventionGenetics, part of Exact Sciences
Classification: Likely benign for EHHADH-related condition. Last evaluated: 2026-07-07. Review status: criteria provided, single submitter. Criteria: ACMG Guidelines, 2015. Collection method: clinical testing. Allele origin: germline.
Comment: This variant is classified as likely benign based on ACMG/AMP sequence variant interpretation guidelines (Richards et al. 2015 PMID: 25741868, with internal and published modifications).

NM_001966.4(EHHADH):c.643del (p.Glu215fs)

Gene: EHHADH (enoyl-CoA hydratase and 3-hydroxyacyl CoA dehydrogenase; minus strand). Cytogenetic location: 3q27.2.
Variant type: Deletion.
Coding change: c.643del on transcript NM_001966.4 (MANE Select); coding-DNA position 643, one base deleted (G; older notation c.643delG).
Protein change: p.Glu215fs; shifts the reading frame from glutamic acid 215.
Molecular consequence: frameshift variant.
Genome position (GRCh38, 1-based): chr3:185,204,683, C deleted on the plus strand (G on the coding strand, the reverse complement: EHHADH is on the minus strand). VCF-style (leftmost placement, unchanged base first): chr3-185204682-TC-T. GRCh37 (hg19) VCF-style: chr3-184922470-TC-T.
Other names: c.355del, p.Glu119fs (NM_001166415.2); short protein forms E119fs, E215fs.
Identifiers: ClinVar variation 4977168 (VCV004977168.1).